The following is an entry in ClinVar:

ClinVar aggregate classification (germline): Likely pathogenic (1 of 4 stars; one submission).

Conditions:
Usher syndrome type 1 (USH1). Also called: RETINITIS PIGMENTOSA AND CONGENITAL DEAFNESS. Identifiers: Orphanet 231169, Orphanet 886, MedGen C1568247, MONDO:0010168, OMIM 276900.

Submission:

Natera, Inc.
Classification: Likely pathogenic for Usher syndrome type 1. Last evaluated: 2025-07-15. Review status: criteria provided, single submitter. Criteria: Natera Variant Classification Schema (03/2026). Collection method: clinical testing. Allele origin: germline.
Comment: The c.6254-3_6254-1delCAG variant in CDH23 is a deletion affecting a canonical splice acceptor site. This variant is expected to result in nonsense mediated decay, truncation, or a dysfunctional protein product. This variant is rare in the general population with a frequency below the threshold expected for the associated phenotype(s). Given the available evidence, this variant is classified as Likely Pathogenic.

NM_022124.6(CDH23):c.6254-3_6254-1del

Gene: CDH23 (cadherin related 23; plus strand). Cytogenetic location: 10q22.1.
Variant type: Deletion.
Coding change: c.6254-3_6254-1del on transcript NM_022124.6 (MANE Select); 3 bases into the intron before coding-DNA position 6254 through the canonical splice acceptor site of the intron before coding-DNA position 6254, 3 bases deleted (CAG; older notation c.6254-3_6254-1delCAG).
Molecular consequence: splice acceptor variant.
Genome position (GRCh38, 1-based): chr10:71,793,179-71,793,181, CAG deleted. VCF-style (leftmost placement, unchanged base first): chr10-71793178-ACAG-A. GRCh37 (hg19) VCF-style: chr10-73552935-ACAG-A.
Other names: c.6254-3_6254-1delCAG (NM_022124.5).
Identifiers: ClinVar variation 4816088 (VCV004816088.1).